The following is an entry in ClinVar:

NM_001271.4(CHD2):c.3180G>A (p.Arg1060=)

Gene: CHD2 (chromodomain helicase DNA binding protein 2; plus strand). Cytogenetic location: 15q26.1.
Variant type: single nucleotide variant.
Coding change: c.3180G>A on transcript NM_001271.4 (MANE Select); coding-DNA position 3180, G replaced by A.
Protein change: p.Arg1060=; no amino-acid change (arginine 1060 retained).
Molecular consequence: synonymous variant.
Genome position (GRCh38, 1-based): chr15:92,984,443, G>A. VCF-style: chr15-92984443-G-A. GRCh37 (hg19) VCF-style: chr15-93527673-G-A.
Identifiers: ClinVar variation 668448 (VCV000668448.13), dbSNP rs1005206801, ClinGen allele CA274859075.
Genomic context (GRCh38, chr15:92,984,443, plus strand): 5'-CAAGGACTGGGATGAGATCATTCCAGAGGAACAAAGGAAAAAAGTAGAGGAGGAAGAGCG[G>A]CAGAAGGAGCTAGAAGAAATTTATATGCTGCCTCGAATTCGGAGTTCCACTAAAAAGGTG-3'
Protein context (NP_001262.3, residues 1050-1070): EQRKKVEEEE[Arg1060=]QKELEEIYML

ClinVar aggregate classification (germline): Likely benign. Review status: criteria provided, multiple submitters, no conflicts (2 of 4 stars). 4 submissions from 4 submitters: Likely benign (3). 1 of the submissions does not count toward it. Last evaluated 2025-03-19.

Conditions:
CHD2-related disorder. Also called: CHD2-related condition.
Developmental and epileptic encephalopathy 94 (DEE94). Also called: CHD2-Related Neurodevelopmental Disorders; Epileptic encephalopathy, childhood-onset. Identifiers: Orphanet 1942, Orphanet 2382, MedGen C3809278, MONDO:0014150, OMIM 615369.

Allele frequency attached by ClinVar (database versions not stated): gnomAD 0.00001; gnomAD exomes 0.00001.
gnomAD v4.1: 8 of 1,612,314 alleles (0.0005%); highest among the groups gnomAD compares: Admixed American, 0.0017%; no homozygotes.

Submissions (4):

Labcorp Genetics (formerly Invitae), Labcorp
Classification: Likely benign for Developmental and epileptic encephalopathy 94. Last evaluated: 2025-03-19. Review status: criteria provided, single submitter. Criteria: Invitae Variant Classification Sherloc (09022015). Collection method: clinical testing. Allele origin: germline.

Blueprint Genetics
Classification: Likely benign. Last evaluated: 2024-10-28. Review status: criteria provided, single submitter. Criteria: ACMG Guidelines, 2015. Collection method: clinical testing. Allele origin: germline.

GeneDx
Classification: Likely benign. Last evaluated: 2020-10-26. Review status: criteria provided, single submitter. Criteria: GeneDx Variant Classification Process June 2021. Collection method: clinical testing. Allele origin: germline. Affected: yes.

PreventionGenetics, part of Exact Sciences
Classification: Likely benign for CHD2-related condition. Last evaluated: 2024-09-24. Review status: no assertion criteria provided. Collection method: clinical testing. Allele origin: germline. Not counted in ClinVar's aggregate classification.
Comment: This variant is classified as likely benign based on ACMG/AMP sequence variant interpretation guidelines (Richards et al. 2015 PMID: 25741868, with internal and published modifications).